The following is an entry in ClinVar:

ClinVar aggregate classification (germline): Uncertain significance (1 of 4 stars; one submission).

Conditions:
Glycogen storage disease, type II (IOPD). Also called: Pompe Disease; CARDIOMEGALIA GLYCOGENICA DIFFUSA; GLYCOGENOSIS, GENERALIZED, CARDIAC FORM; GSD II; POMPE DISEASE, INFANTILE-ONSET; GLYCOGEN STORAGE DISEASE II, INFANTILE-ONSET. Identifiers: Orphanet 365, MedGen C0017921, MONDO:0009290, OMIM 232300.

Submission:

Genomenon, Inc
Classification: Uncertain significance for Glycogen storage disease, type II. Last evaluated: 2026-07-01. Review status: criteria provided, single submitter. Criteria: Genomenon Sequence Variant Interpretation Standards - Updated. Collection method: curation. Allele origin: germline. Affected: no.
Comment: GAA p.Glu192Asp (c.576G>T) is a missense variant that changes the amino acid at codon 192 from Glutamic acid to Aspartic acid. This variant has been reported in the published literature (PMID:40225932). It is absent or not present at a significant frequency in gnomAD. In silico models predict that this variant is not damaging. In conclusion, we classify GAA p.Glu192Asp (c.576G>T) as a variant of uncertain significance.

Literature cited by the submitters: PubMed 40225932.

NM_000152.5(GAA):c.576G>T (p.Glu192Asp)

Gene: GAA (alpha glucosidase; plus strand). Cytogenetic location: 17q25.3.
Variant type: single nucleotide variant.
Coding change: c.576G>T on transcript NM_000152.5 (MANE Select); coding-DNA position 576, G replaced by T.
Protein change: p.Glu192Asp; replaces glutamic acid 192 with aspartic acid.
Molecular consequence: missense variant.
Genome position (GRCh38, 1-based): chr17:80,105,778, G>T. VCF-style: chr17-80105778-G-T. GRCh37 (hg19) VCF-style: chr17-78079577-G-T.
Other names: c.576G>T, p.Glu192Asp (NM_001079804.3, NM_001406741.1, NM_001406742.1 and 1 more transcripts); short protein forms E192D.
Identifiers: ClinVar variation 4876480 (VCV004876480.1).